The following is an entry in ClinVar:

NM_002979.5(SCP2):c.588dup

Gene: SCP2 (sterol carrier protein 2; plus strand). Cytogenetic location: 1p32.3.
Variant type: Duplication.
Coding change: c.588dup on transcript NM_002979.5 (MANE Select); coding-DNA position 588, one base duplicated (G; older notation c.588dupG).
Genome position (GRCh38, 1-based): chr1:52,976,683, G duplicated; the last of 2 consecutive G bases (chr1:52,976,682-52,976,683); duplicating either gives the same sequence. VCF-style (leftmost placement, unchanged base first): chr1-52976681-A-AG. GRCh37 (hg19) VCF-style: chr1-53442353-A-AG.
Identifiers: ClinVar variation 1911686 (VCV001911686.7), dbSNP rs772506944, ClinGen allele CA857176.
Genomic context (GRCh38, chr1:52,976,681, plus strand): 5'-TCTGCAACAAAAATTACAGTTGCTATCTCACATTCTGTAACTAATATTTATTTTGTATTT[A>AG]GGTATTCCCAGTTCCAAGATGAATACAGTTTAGATGAAGTGATGGCATCTAAAGAAGTTT-3'

ClinVar aggregate classification (germline): Pathogenic/Likely pathogenic. Review status: criteria provided, multiple submitters, no conflicts (2 of 4 stars). 2 submissions from 2 submitters: Pathogenic (1); Likely pathogenic (1). Last evaluated 2025-10-16.

Conditions:
Sterol carrier protein 2 deficiency. Also called: Leukoencephalopathy with dystonia and motor neuropathy; Leukoencephalopathy, dystonia, motor neuropathy syndrome. Identifiers: Orphanet 163684, MedGen C3150990, MONDO:0013391, OMIM 613724.

Submissions (2):

Labcorp Genetics (formerly Invitae), Labcorp
Classification: Pathogenic. Last evaluated: 2025-10-16. Review status: criteria provided, single submitter. Criteria: Invitae Variant Classification Sherloc (09022015). Collection method: clinical testing. Allele origin: germline.
Comment: This sequence change creates a premature translational stop signal (p.Tyr197Valfs*7) in the SCP2 gene. It is expected to result in an absent or disrupted protein product. Loss-of-function variants in SCP2 are known to be pathogenic (PMID: 16685654, 26497993). This variant is present in population databases (rs772506944, gnomAD 0.01%). This variant has not been reported in the literature in individuals affected with SCP2-related conditions. ClinVar contains an entry for this variant (Variation ID: 1911686). Algorithms developed to predict the effect of sequence changes on RNA splicing suggest that this variant may disrupt the consensus splice site. For these reasons, this variant has been classified as Pathogenic.

Greenwood Genetic Center Diagnostic Laboratories, Greenwood Genetic Center
Classification: Likely pathogenic for Sterol carrier protein 2 deficiency. Last evaluated: 2023-07-26. Review status: criteria provided, single submitter. Criteria: ACMG Guidelines, 2015. Collection method: clinical testing. Allele origin: germline. Affected: yes.
Comment: PVS1, PM2

Literature cited by the submitters: PubMed 16685654 (cited by Labcorp Genetics (formerly Invitae), Labcorp); PubMed 26497993 (cited by Labcorp Genetics (formerly Invitae), Labcorp).